The following is an entry in ClinVar:

NM_000143.4(FH):c.1278T>A (p.Ala426=)

Gene: FH (fumarate hydratase; minus strand). Cytogenetic location: 1q43.
Variant type: single nucleotide variant.
Coding change: c.1278T>A on transcript NM_000143.4 (MANE Select); coding-DNA position 1278, T replaced by A.
Protein change: p.Ala426=; no amino-acid change (alanine 426 retained).
Molecular consequence: synonymous variant.
Genome position (GRCh38, 1-based): chr1:241,500,549, A>T on the plus strand (T>A on the coding strand, the complement: FH is on the minus strand). VCF-style: chr1-241500549-A-T. GRCh37 (hg19) VCF-style: chr1-241663849-A-T.
Identifiers: ClinVar variation 2032034 (VCV002032034.6), dbSNP rs2147913264, ClinGen allele CA424075519.
Genomic context (GRCh38, chr1:241,500,549, plus strand): 5'-GTTGATCCTTTCTGTATTGGCCTGGATTCCCACCACGCAGTTTTCTGTAAAGGAAACTGA[A>T]GCATCCCCCAGCAGCCTGGCTGAGTGTAACACATTTTTAATCTTTGAGTGAGTGAGAGAG-3'
Protein context (NP_000134.2, residues 416-436): VLHSARLLGD[Ala426=]SVSFTENCVV

ClinVar aggregate classification (germline): Benign/Likely benign. Review status: criteria provided, multiple submitters, no conflicts (2 of 4 stars). 3 submissions from 3 submitters: Benign (1); Likely benign (2). Last evaluated 2024-10-21.

Conditions:
Hereditary leiomyomatosis and renal cell cancer. Also called: Multiple cutaneous leiomyomas; MULTIPLE CUTANEOUS AND UTERINE LEIOMYOMATA 1, WITH OR WITHOUT RENAL CELL CARCINOMA; LEIOMYOMA, MULTIPLE CUTANEOUS; Familial leiomyomatosis; FH tumor predisposition syndrome; Reed syndrome. Identifiers: Orphanet 523, MedGen C1708350, MONDO:0007888, OMIM 150800, HP:0007437. Disease mechanism: loss of function.
Hereditary cancer-predisposing syndrome. Also called: Tumor predisposition; Hereditary Cancer Syndrome; Hereditary neoplastic syndrome; Neoplastic Syndromes, Hereditary. Identifiers: Orphanet 140162, MedGen C0027672, MeSH D009386, MONDO:0015356.

Submissions (3):

Myriad Genetics, Inc.
Classification: Benign for Hereditary leiomyomatosis and renal cell cancer. Last evaluated: 2024-10-21. Review status: criteria provided, single submitter. Criteria: Myriad Autosomal Dominant, Autosomal Recessive and X-Linked Classification Criteria (2023). Collection method: clinical testing. Allele origin: unknown.
Comment: This variant is considered benign. This variant is a silent/synonymous amino acid change and it is not expected to impact splicing.

Ambry Genetics
Classification: Likely benign for Hereditary cancer-predisposing syndrome. Last evaluated: 2023-12-25. Review status: criteria provided, single submitter. Criteria: Ambry Variant Classification Scheme 2023. Collection method: clinical testing. Allele origin: germline.

Labcorp Genetics (formerly Invitae), Labcorp
Classification: Likely benign. Last evaluated: 2022-09-23. Review status: criteria provided, single submitter. Criteria: Invitae Variant Classification Sherloc (09022015). Collection method: clinical testing. Allele origin: germline.